The following is an entry in ClinVar:

NM_032043.3(BRIP1):c.133G>C (p.Glu45Gln)

Gene: BRIP1 (BRCA1 interacting DNA helicase 1; minus strand). Cytogenetic location: 17q23.2.
Variant type: single nucleotide variant.
Coding change: c.133G>C on transcript NM_032043.3 (MANE Select); coding-DNA position 133, G replaced by C.
Protein change: p.Glu45Gln; replaces glutamic acid 45 with glutamine.
Molecular consequence: missense variant.
Genome position (GRCh38, 1-based): chr17:61,859,868, C>G on the plus strand (G>C on the coding strand, the complement: BRIP1 is on the minus strand). VCF-style: chr17-61859868-C-G. GRCh37 (hg19) VCF-style: chr17-59937229-C-G.
Other names: short protein forms E45Q.
Identifiers: ClinVar variation 972642 (VCV000972642.10), dbSNP rs587781292, ClinGen allele CA400485798.

ClinVar aggregate classification (germline): Uncertain significance (1 of 4 stars; one submission).

Conditions:
Familial cancer of breast. Also called: BREAST CANCER, FAMILIAL; Hereditary breast cancer; hereditary breast carcinoma. Identifiers: Orphanet 227535, MedGen C0346153, MONDO:0016419, OMIM 114480. Disease mechanism: loss of function.
Fanconi anemia complementation group J. Also called: BRIP1-Related Fanconi Anemia. Identifiers: Orphanet 84, MedGen C1836860, MONDO:0012187, OMIM 609054.

Submission:

Labcorp Genetics (formerly Invitae), Labcorp
Classification: Uncertain significance for Familial cancer of breast; Fanconi anemia complementation group J. Last evaluated: 2021-02-22. Review status: criteria provided, single submitter. Criteria: Invitae Variant Classification Sherloc (09022015). Collection method: clinical testing. Allele origin: germline.
Comment: In summary, the available evidence is currently insufficient to determine the role of this variant in disease. Therefore, it has been classified as a Variant of Uncertain Significance. Algorithms developed to predict the effect of missense changes on protein structure and function (SIFT, PolyPhen-2, Align-GVGD) all suggest that this variant is likely to be disruptive, but these predictions have not been confirmed by published functional studies and their clinical significance is uncertain. This variant has not been reported in the literature in individuals with BRIP1-related conditions. This variant is not present in population databases (ExAC no frequency). This sequence change replaces glutamic acid with glutamine at codon 45 of the BRIP1 protein (p.Glu45Gln). The glutamic acid residue is highly conserved and there is a small physicochemical difference between glutamic acid and glutamine.